The following is an entry in ClinVar:

NC_000023.10:g.(?_131211900)_(131261872_?)dup

Gene: FRMD7 (FERM domain containing 7; minus strand). Cytogenetic location: Xq26.2.
Variant type: Duplication.
Identifiers: ClinVar variation 2427623 (VCV002427623.3).

ClinVar aggregate classification (germline): Uncertain significance (1 of 4 stars; one submission).

Submission:

Labcorp Genetics (formerly Invitae), Labcorp
Classification: Uncertain significance. Last evaluated: 2022-05-25. Review status: criteria provided, single submitter. Criteria: Invitae Variant Classification Sherloc (09022015). Collection method: clinical testing. Allele origin: germline.
Comment: A copy number gain of the genomic region encompassing the full coding sequence of the FRMD7 gene has been identified. The boundaries of this event are unknown as they extend beyond the assayed region for this gene and therefore may encompass additional genes. As the precise location of this event is unknown, it may be in tandem or it may be located elsewhere in the genome. This variant has not been reported in the literature in individuals affected with FRMD7-related conditions. In summary, the available evidence is currently insufficient to determine the role of this variant in disease. Therefore, it has been classified as a Variant of Uncertain Significance.